The following is an entry in ClinVar:

ClinVar aggregate classification (germline): Likely benign. Review status: criteria provided, multiple submitters, no conflicts (2 of 4 stars). 3 submissions from 3 submitters: Likely benign (3). Last evaluated 2026-09-01.

Allele frequency attached by ClinVar (database versions not stated): ExAC 0.00007; gnomAD 0.00008; gnomAD exomes 0.00008; TOPMed 0.00009; ESP Exome Variant Server 0.00016.
gnomAD v4.1: 139 of 1,611,176 alleles (0.0086%); highest among the groups gnomAD compares: South Asian, 0.022%; 2 homozygotes.

Submissions (3):

CeGaT Center for Human Genetics Tuebingen
Classification: Likely benign. Last evaluated: 2026-09-01. Review status: criteria provided, single submitter. Criteria: CeGaT Center For Human Genetics Tuebingen Variant Classification Criteria Version 2. Collection method: clinical testing. Allele origin: germline. Affected: yes. Observed: 3 variant alleles.
Comment: ABCA2: BP4, BP7

Blueprint Genetics
Classification: Likely benign. Last evaluated: 2024-11-25. Review status: criteria provided, single submitter. Criteria: ACMG Guidelines, 2015. Collection method: clinical testing. Allele origin: germline.

Labcorp Genetics (formerly Invitae), Labcorp
Classification: Likely benign. Last evaluated: 2018-09-12. Review status: criteria provided, single submitter. Criteria: Invitae Variant Classification Sherloc (09022015). Collection method: clinical testing. Allele origin: germline.

NM_001606.5(ABCA2):c.5787C>T (p.Phe1929=)

Genes: ABCA2 (ATP binding cassette subfamily A member 2; minus strand), LOC126860796 (CDK7 strongly-dependent group 2 enhancer GRCh37_chr9:139904888-139906087; plus strand). Cytogenetic location: 9q34.3.
Variant type: single nucleotide variant.
Coding change: c.5787C>T on transcript NM_001606.5 (MANE Select); coding-DNA position 5787, C replaced by T.
Protein change: p.Phe1929=; no amino-acid change (phenylalanine 1929 retained).
Molecular consequence: synonymous variant.
Genome position (GRCh38, 1-based): chr9:137,011,419, G>A on the plus strand (C>T on the coding strand, the complement: ABCA2 is on the minus strand). VCF-style: chr9-137011419-G-A. GRCh37 (hg19) VCF-style: chr9-139905871-G-A.
Other names: c.5877C>T, p.Phe1959= (NM_212533.3).
Identifiers: ClinVar variation 744279 (VCV000744279.28), dbSNP rs377542847, ClinGen allele CA5353887.